The following is an entry in ClinVar:

ClinVar aggregate classification (germline): Uncertain significance (1 of 4 stars; one submission).

Conditions:
Autosomal dominant Parkinson disease 8. Also called: LRRK2-Related Parkinson Disease; Parkinson disease 8; Parkinson disease 8, susceptibility to. Identifiers: Orphanet 411602, MedGen C1846862, MONDO:0011764, OMIM 607060.

Submission:

Labcorp Genetics (formerly Invitae), Labcorp
Classification: Uncertain significance for Autosomal dominant Parkinson disease 8. Last evaluated: 2022-05-12. Review status: criteria provided, single submitter. Criteria: Invitae Variant Classification Sherloc (09022015). Collection method: clinical testing. Allele origin: germline.
Comment: This missense change has been observed in individual(s) with clinical features of Parkinson disease (Invitae). In summary, the available evidence is currently insufficient to determine the role of this variant in disease. Therefore, it has been classified as a Variant of Uncertain Significance. Algorithms developed to predict the effect of missense changes on protein structure and function are either unavailable or do not agree on the potential impact of this missense change (SIFT: "Deleterious"; PolyPhen-2: "Probably Damaging"; Align-GVGD: "Class C0"). This variant is not present in population databases (gnomAD no frequency). This sequence change replaces glycine, which is neutral and non-polar, with valine, which is neutral and non-polar, at codon 1794 of the LRRK2 protein (p.Gly1794Val).

NM_198578.4(LRRK2):c.5381G>T (p.Gly1794Val)

Gene: LRRK2 (leucine rich repeat kinase 2; plus strand). Cytogenetic location: 12q12.
Variant type: single nucleotide variant.
Coding change: c.5381G>T on transcript NM_198578.4 (MANE Select); coding-DNA position 5381, G replaced by T.
Protein change: p.Gly1794Val; replaces glycine 1794 with valine.
Molecular consequence: missense variant.
Genome position (GRCh38, 1-based): chr12:40,322,382, G>T. VCF-style: chr12-40322382-G-T. GRCh37 (hg19) VCF-style: chr12-40716184-G-T.
Other names: short protein forms G1794V.
Identifiers: ClinVar variation 2132582 (VCV002132582.4), dbSNP rs2136891198, ClinGen allele CA384420639.